The following is an entry in ClinVar:

NM_004991.4(MECOM):c.2403A>T (p.Lys801Asn)

Gene: MECOM (MDS1 and EVI1 complex locus; minus strand). Cytogenetic location: 3q26.2.
Variant type: single nucleotide variant.
Coding change: c.2403A>T on transcript NM_004991.4 (MANE Select); coding-DNA position 2403, A replaced by T.
Protein change: p.Lys801Asn; replaces lysine 801 with asparagine.
Molecular consequence: missense variant.
Genome position (GRCh38, 1-based): chr3:169,115,469, T>A on the plus strand (A>T on the coding strand, the complement: MECOM is on the minus strand). VCF-style: chr3-169115469-T-A. GRCh37 (hg19) VCF-style: chr3-168833257-T-A.
Other names: c.1431A>T, p.Lys477Asn (NM_001366473.2); c.867A>T, p.Lys289Asn (NM_001366474.2); c.1839A>T, p.Lys613Asn (NM_005241.4, NM_001105078.4, NM_001164000.2 and 4 more transcripts); c.2034A>T, p.Lys678Asn (NM_001105077.4); c.1842A>T, p.Lys614Asn (NM_001163999.2, NM_001366467.2, NM_001366468.2 and 1 more transcripts); c.2403A>T, p.Lys801Asn (NM_001366466.2); short protein forms K289N, K477N, K613N, K614N, K678N, K801N.
Identifiers: ClinVar variation 4859749 (VCV004859749.1).

ClinVar aggregate classification (germline): Uncertain significance (1 of 4 stars; one submission).

Conditions:
Inborn genetic diseases. Identifiers: MedGen C0950123, MeSH D030342.

Submission:

Ambry Genetics
Classification: Uncertain significance for Inborn genetic diseases. Last evaluated: 2026-04-22. Review status: criteria provided, single submitter. Criteria: Ambry Variant Classification Scheme 2023. Collection method: clinical testing. Allele origin: germline.
Comment: The p.K801N variant (also known as c.2403A>T), located in coding exon 8 of the MECOM gene, results from an A to T substitution at nucleotide position 2403. The lysine at codon 801 is replaced by asparagine, an amino acid with similar properties. This amino acid position is conserved. In addition, this alteration is predicted to be tolerated by in silico analysis. Based on the available evidence, the clinical significance of this variant remains unclear.